The following is an entry in ClinVar:

ClinVar aggregate classification (germline): Uncertain significance (1 of 4 stars; one submission).

Conditions:
Cardiovascular phenotype. Identifiers: MedGen CN230736.

gnomAD v4.1: 5 of 1,209,418 alleles (0.00041%); highest among the groups gnomAD compares: Non-Finnish European, 0.00056%; no homozygotes.

Submission:

Ambry Genetics
Classification: Uncertain significance for Cardiovascular phenotype. Last evaluated: 2020-05-13. Review status: criteria provided, single submitter. Criteria: Ambry Variant Classification Scheme 2023. Collection method: clinical testing. Allele origin: germline.
Comment: The p.Y2111C variant (also known as c.6332A>G), located in coding exon 44 of the DMD gene, results from an A to G substitution at nucleotide position 6332. The tyrosine at codon 2111 is replaced by cysteine, an amino acid with highly dissimilar properties. This amino acid position is well conserved in available vertebrate species. In addition, this alteration is predicted to be tolerated by in silico analysis. Since supporting evidence is limited at this time, the clinical significance of this alteration remains unclear.

NM_004006.3(DMD):c.6332A>G (p.Tyr2111Cys)

Gene: DMD (dystrophin; minus strand). Cytogenetic location: Xp21.1.
Variant type: single nucleotide variant.
Coding change: c.6332A>G on transcript NM_004006.3 (MANE Select); coding-DNA position 6332, A replaced by G.
Protein change: p.Tyr2111Cys; replaces tyrosine 2111 with cysteine.
Molecular consequence: missense variant.
Genome position (GRCh38, 1-based): chrX:32,217,022, T>C on the plus strand (A>G on the coding strand, the complement: DMD is on the minus strand). VCF-style: chrX-32217022-T-C. GRCh37 (hg19) VCF-style: chrX-32235139-T-C.
Other names: c.6308A>G, p.Tyr2103Cys (NM_000109.4); c.6320A>G, p.Tyr2107Cys (NM_004009.3); c.5963A>G, p.Tyr1988Cys (NM_004010.3); c.2309A>G, p.Tyr770Cys (NM_004011.4); c.2300A>G, p.Tyr767Cys (NM_004012.4); short protein forms Y1988C, Y767C, Y2107C, Y770C, Y2103C, Y2111C.
Identifiers: ClinVar variation 1752911 (VCV001752911.2), dbSNP rs2519059331, ClinGen allele CA412660712.